The following is an entry in ClinVar:

ClinVar aggregate classification (germline): Pathogenic (1 of 4 stars; one submission).

Conditions:
Hereditary factor IX deficiency disease (HEMB). Also called: Hemophilia B; F9 DEFICIENCY; FACTOR IX DEFICIENCY; Christmas Disease; PLASMA THROMBOPLASTIN COMPONENT DEFICIENCY. Identifiers: Orphanet 98879, MedGen C0008533, MeSH D002836, MONDO:0010604, OMIM 306900.
Thrombophilia, X-linked, due to factor 9 defect. Identifiers: MedGen C2749016, MONDO:0010432, OMIM 300807.

Submission:

Labcorp Genetics (formerly Invitae), Labcorp
Classification: Pathogenic for Thrombophilia, X-linked, due to factor 9 defect; Hereditary factor IX deficiency disease. Last evaluated: 2021-08-19. Review status: criteria provided, single submitter. Criteria: Invitae Variant Classification Sherloc (09022015). Collection method: clinical testing. Allele origin: germline.
Comment: For these reasons, this variant has been classified as Pathogenic. This variant disrupts a region of the F9 protein in which other variant(s) (p.Arg379*) have been determined to be pathogenic (PMID: 1969838, 8091381, 22544209, 31026269). This suggests that this is a clinically significant region of the protein, and that variants that disrupt it are likely to be disease-causing. This variant is also known as 30973C>A. This premature translational stop signal has been observed in individual(s) with hemophilia B (PMID: 8217825). This variant is not present in population databases (ExAC no frequency). This sequence change creates a premature translational stop signal (p.Tyr330*) in the F9 gene. While this is not anticipated to result in nonsense mediated decay, it is expected to disrupt the last 132 amino acid(s) of the F9 protein.

Literature cited by the submitters: PubMed 1969838; PubMed 8091381; PubMed 22544209; PubMed 31026269; PubMed 8217825.

NM_000133.4(F9):c.990C>A (p.Tyr330Ter)

Gene: F9 (coagulation factor IX; plus strand). Cytogenetic location: Xq27.1.
Variant type: single nucleotide variant.
Coding change: c.990C>A on transcript NM_000133.4 (MANE Select); coding-DNA position 990, C replaced by A.
Protein change: p.Tyr330Ter; replaces tyrosine 330 with a stop codon.
Molecular consequence: nonsense.
Genome position (GRCh38, 1-based): chrX:139,561,675, C>A. VCF-style: chrX-139561675-C-A. GRCh37 (hg19) VCF-style: chrX-138643834-C-A.
Other names: c.876C>A, p.Tyr292Ter (NM_001313913.2); short protein forms Y330*, Y292*.
Identifiers: ClinVar variation 1453170 (VCV001453170.6), dbSNP rs1928109999, ClinGen allele CA414445240.
Genomic context (GRCh38, chrX:139,561,675, plus strand): 5'-TAAGTACAACCATGACATTGCCCTTCTGGAACTGGACGAACCCTTAGTGCTAAACAGCTA[C>A]GTTACACCTATTTGCATTGCTGACAAGGAATACACGAACATCTTCCTCAAATTTGGATCT-3'